The following is an entry in ClinVar:

NM_000268.4(NF2):c.1391C>A (p.Ala464Glu)

Gene: NF2 (NF2, moesin-ezrin-radixin like (MERLIN) tumor suppressor; plus strand). Cytogenetic location: 22q12.2.
Variant type: single nucleotide variant.
Coding change: c.1391C>A on transcript NM_000268.4 (MANE Select); coding-DNA position 1391, C replaced by A.
Protein change: p.Ala464Glu; replaces alanine 464 with glutamic acid.
Molecular consequence: missense variant. On other transcripts: non-coding transcript variant (1), intron variant (1).
Genome position (GRCh38, 1-based): chr22:29,674,886, C>A. VCF-style: chr22-29674886-C-A. GRCh37 (hg19) VCF-style: chr22-30070875-C-A.
Other names: c.1277C>A, p.Ala426Glu (NM_001407053.1, NM_001407056.1); c.1268C>A, p.Ala423Glu (NM_001407054.1, NM_001407058.1, NM_181829.3); c.1265C>A, p.Ala422Glu (NM_001407055.1, NM_181828.3); c.1256C>A, p.Ala419Glu (NM_001407057.1, NM_001407059.1); c.1391C>A, p.Ala464Glu (NM_001407060.1, NM_001407066.1, NM_016418.5 and 2 more transcripts); c.1133C>A, p.Ala378Glu (NM_001407062.1); c.1142C>A, p.Ala381Glu (NM_001407063.1, NM_001407064.1, NM_181830.3 and 1 more transcripts); c.857C>A, p.Ala286Glu (NM_001407065.1); and 2 more; short protein forms A286E, A378E, A422E, A381E, A423E, A419E, A387E, A426E.
Identifiers: ClinVar variation 3673875 (VCV003673875.3).

ClinVar aggregate classification (germline): Uncertain significance. Review status: criteria provided, multiple submitters, no conflicts (2 of 4 stars). 2 submissions from 2 submitters: Uncertain significance (2). Last evaluated 2025-07-11.

Conditions:
Hereditary cancer-predisposing syndrome. Also called: Neoplastic Syndromes, Hereditary; Tumor predisposition; Hereditary Cancer Syndrome; Hereditary neoplastic syndrome. Identifiers: Orphanet 140162, MedGen C0027672, MeSH D009386, MONDO:0015356.
Neurofibromatosis, type 2 (SWNV). Also called: BILATERAL ACOUSTIC NEUROFIBROMATOSIS; SCHWANNOMATOSIS, VESTIBULAR; NF2-Related Schwannomatosis. Identifiers: Orphanet 637, MedGen C0027832, MONDO:0007039, OMIM 101000. Disease mechanism: loss of function.

Submissions (2):

Ambry Genetics
Classification: Uncertain significance for Hereditary cancer-predisposing syndrome. Last evaluated: 2025-07-11. Review status: criteria provided, single submitter. Criteria: Ambry Variant Classification Scheme 2023. Collection method: clinical testing. Allele origin: germline.
Comment: The p.A464E variant (also known as c.1391C>A), located in coding exon 13 of the NF2 gene, results from a C to A substitution at nucleotide position 1391. The alanine at codon 464 is replaced by glutamic acid, an amino acid with dissimilar properties. This amino acid position is conserved. In addition, the in silico prediction for this alteration is inconclusive. Based on the available evidence, the clinical significance of this variant remains unclear.

Labcorp Genetics (formerly Invitae), Labcorp
Classification: Uncertain significance for Neurofibromatosis, type 2. Last evaluated: 2024-12-12. Review status: criteria provided, single submitter. Criteria: Invitae Variant Classification Sherloc (09022015). Collection method: clinical testing. Allele origin: germline.
Comment: This sequence change replaces alanine, which is neutral and non-polar, with glutamic acid, which is acidic and polar, at codon 464 of the NF2 protein (p.Ala464Glu). This variant is not present in population databases (gnomAD no frequency). This variant has not been reported in the literature in individuals affected with NF2-related conditions. Invitae Evidence Modeling of protein sequence and biophysical properties (such as structural, functional, and spatial information, amino acid conservation, physicochemical variation, residue mobility, and thermodynamic stability) indicates that this missense variant is not expected to disrupt NF2 protein function with a negative predictive value of 80%. In summary, the available evidence is currently insufficient to determine the role of this variant in disease. Therefore, it has been classified as a Variant of Uncertain Significance.